The following is an entry in ClinVar:

ClinVar aggregate classification (germline): Uncertain significance. Review status: criteria provided, multiple submitters, no conflicts (2 of 4 stars). 2 submissions from 2 submitters: Uncertain significance (2). Last evaluated 2024-03-26.

Conditions:
Fanconi anemia complementation group D2. Also called: FANCD2-Related Fanconi Anemia; FANCONI PANCYTOPENIA, TYPE 4; FANCONI ANEMIA, COMPLEMENTATION GROUP D. Identifiers: Orphanet 84, MedGen C3160738, MONDO:0009214, OMIM 227646.
Fanconi anemia (FA). Also called: Fanconi's anemia. Identifiers: Orphanet 84, MedGen C0015625, MeSH D005199, MONDO:0019391.

Allele frequency attached by ClinVar (database versions not stated): gnomAD exomes below 0.00001; ExAC 0.00001; gnomAD 0.00001; TOPMed 0.00001.
gnomAD v4.1: 7 of 1,614,066 alleles (0.00043%); highest among the groups gnomAD compares: Non-Finnish European, 0.00051%; no homozygotes.

Submissions (2):

Fulgent Genetics
Classification: Uncertain significance for Fanconi anemia complementation group D2. Last evaluated: 2024-03-26. Review status: criteria provided, single submitter. Criteria: ACMG Guidelines, 2015. Collection method: clinical testing. Allele origin: germline.

Labcorp Genetics (formerly Invitae), Labcorp
Classification: Uncertain significance for Fanconi anemia. Last evaluated: 2022-03-18. Review status: criteria provided, single submitter. Criteria: Invitae Variant Classification Sherloc (09022015). Collection method: clinical testing. Allele origin: germline.
Comment: This sequence change replaces leucine, which is neutral and non-polar, with proline, which is neutral and non-polar, at codon 686 of the FANCD2 protein (p.Leu686Pro). This variant is not present in population databases (gnomAD no frequency). This variant has not been reported in the literature in individuals affected with FANCD2-related conditions. Algorithms developed to predict the effect of missense changes on protein structure and function are either unavailable or do not agree on the potential impact of this missense change (SIFT: "Deleterious"; PolyPhen-2: "Probably Damaging"; Align-GVGD: "Class C0"). In summary, the available evidence is currently insufficient to determine the role of this variant in disease. Therefore, it has been classified as a Variant of Uncertain Significance.

NM_001018115.3(FANCD2):c.2057T>C (p.Leu686Pro)

Genes: FANCD2 (FA complementation group D2; plus strand), LOC107303338 (3p25 FANCD2 Alu-mediated recombination region; plus strand). Cytogenetic location: 3p25.3.
Variant type: single nucleotide variant.
Coding change: c.2057T>C on transcript NM_001018115.3 (MANE Select); coding-DNA position 2057, T replaced by C.
Protein change: p.Leu686Pro; replaces leucine 686 with proline.
Molecular consequence: missense variant.
Genome position (GRCh38, 1-based): chr3:10,064,764, T>C. VCF-style: chr3-10064764-T-C. GRCh37 (hg19) VCF-style: chr3-10106448-T-C.
Other names: c.1946T>C, p.Leu649Pro (NM_001374253.1); c.2057T>C, p.Leu686Pro (NM_001374254.1, NM_033084.6, NM_001319984.2); c.2057T>C (NM_033084.4); short protein forms L686P, L649P.
Identifiers: ClinVar variation 2201096 (VCV002201096.2), dbSNP rs769950147, ClinGen allele CA2249953.